The following is an entry in ClinVar:

ClinVar aggregate classification (germline): Benign (3 of 4 stars; one submission).

Conditions:
Breast-ovarian cancer, familial, susceptibility to, 1 (BROVCA1). Also called: OVARIAN CANCER, SUSCEPTIBILITY TO; BRCA1 Hereditary Breast and Ovarian Cancer. Identifiers: Orphanet 145, MedGen C2676676, MONDO:0011450, OMIM 604370. Disease mechanism: loss of function.

Allele frequency attached by ClinVar (database versions not stated): gnomAD 0.04973 and 0.05088; 1000 Genomes Project 0.02177; 1000 Genomes Project 30x 0.02202; TOPMed 0.04063.
gnomAD v4.1: 6,829 of 137,476 alleles (5%); highest among the groups gnomAD compares: Non-Finnish European, 7.2%; 208 homozygotes.

Submission:

Evidence-based Network for the Interpretation of Germline Mutant Alleles (ENIGMA)
Classification: Benign for Breast-ovarian cancer, familial 1. Last evaluated: 2015-01-12. Review status: reviewed by expert panel. Criteria: ENIGMA BRCA1/2 Classification Criteria (2015). Collection method: curation. Allele origin: germline.
Comment: Class 1 not pathogenic based on frequency >1% in an outbred sampleset. Frequency 0.06 (European), derived from 1000 genomes (2012-04-30).

NM_007294.3(BRCA1):c.-728A>G

Genes: NBR2 (neighbor of BRCA1 lncRNA 2; plus strand), BRCA1 (BRCA1 DNA repair associated; minus strand), LOC111589215 (BRCA1 promoter region; plus strand). Cytogenetic location: 17q21.31.
Variant type: single nucleotide variant.
Coding change: c.-728A>G on transcript NM_007294.3; 728 bases upstream of the start codon, A replaced by G.
Molecular consequence: intron variant (on NM_001408458.1).
Genome position (GRCh38, 1-based): chr17:43,125,979, T>C on the plus strand (A>G on the coding strand, the complement: BRCA1 is on the minus strand). VCF-style: chr17-43125979-T-C. GRCh37 (hg19) VCF-style: chr17-41277996-T-C.
Other names: -609 A>G; c.-61-10200A>G (NM_001408458.1).
Identifiers: ClinVar variation 209581 (VCV000209581.3), dbSNP rs3092986, ClinGen allele CA276550.
Genomic context (GRCh38, chr17:43,125,979, plus strand): 5'-CTCACGGAAATCCAGTGGATAGATTGGAGACCTGTGCGCGCTTGTACTTGTCAACAGTTA[T>C]GGACTGGAGTGTTATGTTTTCGTATTTTGAAAGCAGAAACTAGGCCTTAAAAAGATACGT-3'